The following is an entry in ClinVar:

NM_006729.5(DIAPH2):c.3009+4A>C

Gene: DIAPH2 (diaphanous related formin 2; plus strand). Cytogenetic location: Xq21.33.
Variant type: single nucleotide variant.
Coding change: c.3009+4A>C on transcript NM_006729.5 (MANE Select); 4 bases into the intron after coding-DNA position 3009, A replaced by C.
Molecular consequence: intron variant.
Genome position (GRCh38, 1-based): chrX:97,348,284, A>C. VCF-style: chrX-97348284-A-C. GRCh37 (hg19) VCF-style: chrX-96603283-A-C.
Other names: NC_000023.10:g.96603283A>C; c.3009+4A>C (NM_007309.4).
Identifiers: ClinVar variation 3040894 (VCV003040894.3), dbSNP rs377256059, ClinGen allele CA10468509.
Genomic context (GRCh38, chrX:97,348,284, plus strand): 5'-ACAGTGAGCATAGAAGAGTTCTTTGGTGATCTCAACAACTTCCGAACTTTGTTTTTGGTA[A>C]GTAATACATCTTAAAGCATTGCAAGACCTGTTGCTTATATTTCTGAATGTTTTCCTTCTA-3'

ClinVar aggregate classification (germline): Likely benign (0 of 4 stars; one submission).

Conditions:
DIAPH2-related disorder. Also called: DIAPH2-related condition.

Allele frequency attached by ClinVar (database versions not stated): ESP Exome Variant Server 0.00009; gnomAD exomes 0.00010; ExAC 0.00014; gnomAD 0.00025; TOPMed 0.00038.
gnomAD v4.1: 140 of 1,190,708 alleles (0.012%); highest among the groups gnomAD compares: Middle Eastern, 0.12%; no homozygotes.

Submissions (2):

PreventionGenetics, part of Exact Sciences
Classification: Likely benign for DIAPH2-related condition. Last evaluated: 2019-09-20. Review status: no assertion criteria provided. Collection method: clinical testing. Allele origin: germline.
Comment: This variant is classified as likely benign based on ACMG/AMP sequence variant interpretation guidelines (Richards et al. 2015 PMID: 25741868, with internal and published modifications).

Dr. Peter K. Rogan Lab, Western University
No classification provided (evidence only). Condition: Sarcoma. Review status: no classification provided. Collection method: in vitro. Allele origin: not applicable. Functional consequence: retained intron. Not counted in ClinVar's aggregate classification.